The following is an entry in ClinVar:

NM_016653.3(MAP3K20):c.5C>T (p.Ser2Leu)

Gene: MAP3K20 (mitogen-activated protein kinase kinase kinase 20; plus strand). Cytogenetic location: 2q31.1.
Variant type: single nucleotide variant.
Coding change: c.5C>T on transcript NM_016653.3 (MANE Select); coding-DNA position 5, C replaced by T.
Protein change: p.Ser2Leu; replaces serine 2 with leucine.
Molecular consequence: missense variant.
Genome position (GRCh38, 1-based): chr2:173,091,036, C>T. VCF-style: chr2-173091036-C-T. GRCh37 (hg19) VCF-style: chr2-173955764-C-T.
Other names: c.5C>T, p.Ser2Leu (NM_133646.3); short protein forms S2L.
Identifiers: ClinVar variation 1360457 (VCV001360457.28), dbSNP rs565333842, ClinGen allele CA1970289.
Genomic context (GRCh38, chr2:173,091,036, plus strand): 5'-TTCTTTTTCTTTCTTTCTGCAGATTTTGTGGAAGTATAATACTTTGTCATTATGAGATGT[C>T]GTCTCTCGGTGCCTCCTTTGTGCAAATTAAATTTGATGACTTGCAGTTTTTTGAAAACTG-3'
Protein context (NP_057737.2, residues 1-12): M[Ser2Leu]SLGASFVQIK

ClinVar aggregate classification (germline): Uncertain significance. Review status: criteria provided, multiple submitters, no conflicts (2 of 4 stars). 2 submissions from 2 submitters: Uncertain significance (2). Last evaluated 2024-03-27.

Allele frequency attached by ClinVar (database versions not stated): TOPMed below 0.00001; gnomAD 0.00001; gnomAD exomes 0.00001 and 0.00002; ExAC 0.00002; 1000 Genomes Project 30x 0.00016; 1000 Genomes Project 0.00020.
gnomAD v4.1: 14 of 1,608,660 alleles (0.00087%); highest among the groups gnomAD compares: Admixed American, 0.0017%; no homozygotes.

Submissions (2):

Labcorp Genetics (formerly Invitae), Labcorp
Classification: Uncertain significance. Last evaluated: 2024-03-27. Review status: criteria provided, single submitter. Criteria: Invitae Variant Classification Sherloc (09022015). Collection method: clinical testing. Allele origin: germline.
Comment: This sequence change replaces serine, which is neutral and polar, with leucine, which is neutral and non-polar, at codon 2 of the MAP3K20 protein (p.Ser2Leu). This variant is present in population databases (rs565333842, gnomAD 0.01%). This variant has not been reported in the literature in individuals affected with MAP3K20-related conditions. ClinVar contains an entry for this variant (Variation ID: 1360457). Advanced modeling of protein sequence and biophysical properties (such as structural, functional, and spatial information, amino acid conservation, physicochemical variation, residue mobility, and thermodynamic stability) performed at Invitae indicates that this missense variant is not expected to disrupt MAP3K20 protein function with a negative predictive value of 95%. In summary, the available evidence is currently insufficient to determine the role of this variant in disease. Therefore, it has been classified as a Variant of Uncertain Significance.

CeGaT Center for Human Genetics Tuebingen
Classification: Uncertain significance. Last evaluated: 2022-05-01. Review status: criteria provided, single submitter. Criteria: CeGaT Center For Human Genetics Tuebingen Variant Classification Criteria Version 2. Collection method: clinical testing. Allele origin: germline. Affected: yes. Observed: 1 variant allele.
Comment: MAP3K20: PM2